The following is an entry in ClinVar:

ClinVar aggregate classification (germline): Uncertain significance (1 of 4 stars; one submission).

Conditions:
Dilated cardiomyopathy 1G (CMD1G). Identifiers: Orphanet 154, MedGen C1858763, MONDO:0011400, OMIM 604145.
Autosomal recessive limb-girdle muscular dystrophy type 2J (LGMDR10). Also called: Limb-girdle muscular dystrophy, type 2J; MUSCULAR DYSTROPHY, LIMB-GIRDLE, AUTOSOMAL RECESSIVE 10. Identifiers: Orphanet 140922, MedGen C1837342, MONDO:0012127, OMIM 608807.

Submission:

Labcorp Genetics (formerly Invitae), Labcorp
Classification: Uncertain significance for Dilated cardiomyopathy 1G; Autosomal recessive limb-girdle muscular dystrophy type 2J. Last evaluated: 2025-02-27. Review status: criteria provided, single submitter. Criteria: Invitae Variant Classification Sherloc (09022015). Collection method: clinical testing. Allele origin: germline.
Comment: This sequence change replaces proline, which is neutral and non-polar, with leucine, which is neutral and non-polar, at codon 35731 of the TTN protein (p.Pro35731Leu). This variant is not present in population databases (gnomAD no frequency). This variant has not been reported in the literature in individuals affected with TTN-related conditions. Experimental studies and prediction algorithms are not available or were not evaluated, and the functional significance of this variant is currently unknown. This variant is located in the M band of TTN (PMID: 25589632). Non-truncating variants in this region may be relevant for neuromuscular disorders, but have not been definitively shown to cause cardiomyopathy (PMID: 23975875). In summary, the available evidence is currently insufficient to determine the role of this variant in disease. Therefore, it has been classified as a Variant of Uncertain Significance.

Literature cited by the submitters: PubMed 25589632; PubMed 23975875.

NM_001267550.2(TTN):c.107192C>T (p.Pro35731Leu)

Genes: TTN (titin; minus strand), TTN-AS1 (TTN antisense RNA 1; plus strand). Cytogenetic location: 2q31.2.
Variant type: single nucleotide variant.
Coding change: c.107192C>T on transcript NM_001267550.2 (MANE Select); coding-DNA position 107192, C replaced by T.
Protein change: p.Pro35731Leu; replaces proline 35731 with leucine.
Molecular consequence: missense variant.
Genome position (GRCh38, 1-based): chr2:178,528,559, G>A on the plus strand (C>T on the coding strand, the complement: TTN is on the minus strand). VCF-style: chr2-178528559-G-A. GRCh37 (hg19) VCF-style: chr2-179393286-G-A.
Other names: c.102269C>T, p.Pro34090Leu (NM_001256850.1); c.79997C>T, p.Pro26666Leu (NM_003319.4); c.99488C>T, p.Pro33163Leu (NM_133378.4); c.80372C>T, p.Pro26791Leu (NM_133432.3); c.80573C>T, p.Pro26858Leu (NM_133437.4); short protein forms P26666L, P26791L, P26858L, P33163L, P35731L, P34090L.
Identifiers: ClinVar variation 4784302 (VCV004784302.1).